The following is an entry in ClinVar:

NM_003500.4(ACOX2):c.1156-3C>T

Gene: ACOX2 (acyl-CoA oxidase 2; minus strand). Cytogenetic location: 3p14.3.
Variant type: single nucleotide variant.
Coding change: c.1156-3C>T on transcript NM_003500.4 (MANE Select); 3 bases into the intron before coding-DNA position 1156, C replaced by T.
Molecular consequence: intron variant.
Genome position (GRCh38, 1-based): chr3:58,526,659, G>A on the plus strand (C>T on the coding strand, the complement: ACOX2 is on the minus strand). VCF-style: chr3-58526659-G-A. GRCh37 (hg19) VCF-style: chr3-58512386-G-A.
Identifiers: ClinVar variation 3046996 (VCV003046996.2), dbSNP rs374565538, ClinGen allele CA2472144.
Genomic context (GRCh38, chr3:58,526,659, plus strand): 5'-CTCCCTGGGTGCAGAATTCTGACATCATGGCCTTCATGCCCGTGCTCAGTGCGTGGAGCT[G>A]TGAGAACATGGAGGGGGGTTGGGCGGTGTTAGGGGGCCTCCACCATAGGGACCAACCCTG-3'

ClinVar aggregate classification (germline): Likely benign (0 of 4 stars; one submission).

Conditions:
ACOX2-related disorder. Also called: ACOX2-related condition.

gnomAD v4.1: 70 of 1,613,022 alleles (0.0043%); highest among the groups gnomAD compares: Non-Finnish European, 0.0057%; no homozygotes.

Submission:

PreventionGenetics, part of Exact Sciences
Classification: Likely benign for ACOX2-related condition. Last evaluated: 2022-11-16. Review status: no assertion criteria provided. Collection method: clinical testing. Allele origin: germline.
Comment: This variant is classified as likely benign based on ACMG/AMP sequence variant interpretation guidelines (Richards et al. 2015 PMID: 25741868, with internal and published modifications).